The following is an entry in ClinVar:

NM_000302.4(PLOD1):c.579+1G>A

Gene: PLOD1 (procollagen-lysine,2-oxoglutarate 5-dioxygenase 1; plus strand). Cytogenetic location: 1p36.22.
Variant type: single nucleotide variant.
Coding change: c.579+1G>A on transcript NM_000302.4 (MANE Select); the canonical splice donor site of the intron after coding-DNA position 579, G replaced by A.
Molecular consequence: splice donor variant.
Genome position (GRCh38, 1-based): chr1:11,952,736, G>A. VCF-style: chr1-11952736-G-A. GRCh37 (hg19) VCF-style: chr1-12012793-G-A.
Other names: IVS5DS, G-A, +1; c.720+1G>A (NM_001316320.2).
Identifiers: ClinVar variation 14371 (VCV000014371.4), dbSNP rs797044448, ClinGen allele CA281016.

ClinVar aggregate classification (germline): Pathogenic. Review status: criteria provided, single submitter (1 of 4 stars). 2 submissions from 2 submitters: Pathogenic (1). 1 of the submissions does not count toward it. Last evaluated 2022-12-07.

Conditions:
Ehlers-Danlos syndrome, kyphoscoliotic type 1 (EDSKSCL1). Also called: Ehlers-Danlos syndrome, hydroxylysine-deficient; EHLERS-DANLOS SYNDROME, TYPE VIA; EHLERS-DANLOS SYNDROME, OCULAR-SCOLIOTIC TYPE; PLOD1-Related Kyphoscoliotic Ehlers-Danlos Syndrome. Identifiers: Orphanet 1900, MedGen C0268342, MONDO:0016002, OMIM 225400. Disease mechanism: loss of function.

Submissions (2):

Labcorp Genetics (formerly Invitae), Labcorp
Classification: Pathogenic for Ehlers-Danlos syndrome, kyphoscoliotic type 1. Last evaluated: 2022-12-07. Review status: criteria provided, single submitter. Criteria: Invitae Variant Classification Sherloc (09022015). Collection method: clinical testing. Allele origin: germline.
Comment: This sequence change affects a donor splice site in intron 5 of the PLOD1 gene. It is expected to disrupt RNA splicing. Variants that disrupt the donor or acceptor splice site typically lead to a loss of protein function (PMID: 16199547), and loss-of-function variants in PLOD1 are known to be pathogenic (PMID: 10874315, 21699693). This variant is not present in population databases (gnomAD no frequency). Disruption of this splice site has been observed in individual(s) with Ehlers-Danlos syndrome (PMID: 9220536). In at least one individual the data is consistent with being in trans (on the opposite chromosome) from a pathogenic variant. ClinVar contains an entry for this variant (Variation ID: 14371). Algorithms developed to predict the effect of sequence changes on RNA splicing suggest that this variant may disrupt the consensus splice site. For these reasons, this variant has been classified as Pathogenic.

OMIM
Classification: Pathogenic for EHLERS-DANLOS SYNDROME, KYPHOSCOLIOTIC TYPE, 1. Last evaluated: 1999-01-01. Review status: no assertion criteria provided. Collection method: literature only. Allele origin: germline. Not counted in ClinVar's aggregate classification.

Literature cited by the submitters: PubMed 16199547 (cited by Labcorp Genetics (formerly Invitae), Labcorp); PubMed 10874315 (cited by Labcorp Genetics (formerly Invitae), Labcorp); PubMed 21699693 (cited by Labcorp Genetics (formerly Invitae), Labcorp); PubMed 9220536 (cited by Labcorp Genetics (formerly Invitae), Labcorp); PubMed 9893157 (cited by OMIM).